The following is an entry in ClinVar:

NM_015909.4(NBAS):c.4437dup (p.Ile1480fs)

Gene: NBAS (NBAS subunit of NRZ tethering complex; minus strand). Cytogenetic location: 2p24.3.
Variant type: Duplication.
Coding change: c.4437dup on transcript NM_015909.4 (MANE Select); coding-DNA position 4437, one base duplicated (C; older notation c.4437dupC).
Protein change: p.Ile1480fs; shifts the reading frame from isoleucine 1480.
Molecular consequence: frameshift variant. On other transcripts: non-coding transcript variant (1).
Genome position (GRCh38, 1-based): chr2:15,328,223, G duplicated on the plus strand (C on the coding strand, the reverse complement: NBAS is on the minus strand). VCF-style (leftmost placement, unchanged base first): chr2-15328222-T-TG. GRCh37 (hg19) VCF-style: chr2-15468346-T-TG.
Other names: short protein forms I1480fs.
Identifiers: ClinVar variation 1446416 (VCV001446416.6), dbSNP rs745803896, ClinGen allele CA1535652.

ClinVar aggregate classification (germline): Pathogenic (1 of 4 stars; one submission).

Allele frequency attached by ClinVar (database versions not stated): gnomAD exomes below 0.00001 and 0.00001; TOPMed below 0.00001; ExAC 0.00001.

Submission:

Labcorp Genetics (formerly Invitae), Labcorp
Classification: Pathogenic. Last evaluated: 2025-06-24. Review status: criteria provided, single submitter. Criteria: Invitae Variant Classification Sherloc (09022015). Collection method: clinical testing. Allele origin: germline.
Comment: This sequence change creates a premature translational stop signal (p.Ile1480Hisfs*8) in the NBAS gene. It is expected to result in an absent or disrupted protein product. Loss-of-function variants in NBAS are known to be pathogenic (PMID: 26073778, 26541327, 27789416, 28031453). This variant is present in population databases (rs745803896, gnomAD 0.006%). This variant has not been reported in the literature in individuals affected with NBAS-related conditions. ClinVar contains an entry for this variant (Variation ID: 1446416). For these reasons, this variant has been classified as Pathogenic.

Literature cited by the submitters: PubMed 26073778; PubMed 26541327; PubMed 27789416; PubMed 28031453.